The following is an entry in ClinVar:

ClinVar aggregate classification (germline): Uncertain significance (1 of 4 stars; one submission).

gnomAD v4.1: 1 of 1,614,072 alleles (0.000062%); highest among the groups gnomAD compares: South Asian, 0.0011%; no homozygotes.

Submission:

GeneDx
Classification: Uncertain significance. Last evaluated: 2026-04-02. Review status: criteria provided, single submitter. Criteria: GeneDx Variant Classification Process June 2021. Collection method: clinical testing. Allele origin: germline.
Comment: Not observed at significant frequency in large population cohorts (gnomAD); In silico analysis suggests that this missense variant does not alter protein structure/function; Has not been previously published as pathogenic or benign to our knowledge

NM_014991.6(WDFY3):c.5846C>T (p.Thr1949Ile)

Gene: WDFY3 (WD repeat and FYVE domain containing 3; minus strand). Cytogenetic location: 4q21.23.
Variant type: single nucleotide variant.
Coding change: c.5846C>T on transcript NM_014991.6 (MANE Select); coding-DNA position 5846, C replaced by T.
Protein change: p.Thr1949Ile; replaces threonine 1949 with isoleucine.
Molecular consequence: missense variant.
Genome position (GRCh38, 1-based): chr4:84,751,610, G>A on the plus strand (C>T on the coding strand, the complement: WDFY3 is on the minus strand). VCF-style: chr4-84751610-G-A. GRCh37 (hg19) VCF-style: chr4-85672763-G-A.
Other names: short protein forms T1949I.
Identifiers: ClinVar variation 5018101 (VCV005018101.1).